The following is an entry in ClinVar:

ClinVar aggregate classification (germline): Uncertain significance (1 of 4 stars; one submission).

Allele frequency attached by ClinVar (database versions not stated): gnomAD exomes 0.00001 and 0.00002; ExAC 0.00002; gnomAD 0.00004 and 0.00005; TOPMed 0.00004.

Submission:

Labcorp Genetics (formerly Invitae), Labcorp
Classification: Uncertain significance. Last evaluated: 2022-07-29. Review status: criteria provided, single submitter. Criteria: Invitae Variant Classification Sherloc (09022015). Collection method: clinical testing. Allele origin: germline.
Comment: This sequence change replaces arginine, which is basic and polar, with cysteine, which is neutral and slightly polar, at codon 2013 of the LRP2 protein (p.Arg2013Cys). The frequency data for this variant in the population databases is considered unreliable, as metrics indicate poor data quality at this position in the gnomAD database. This variant has not been reported in the literature in individuals affected with LRP2-related conditions. ClinVar contains an entry for this variant (Variation ID: 1468181). Algorithms developed to predict the effect of missense changes on protein structure and function are either unavailable or do not agree on the potential impact of this missense change (SIFT: "Deleterious"; PolyPhen-2: "Possibly Damaging"; Align-GVGD: "Class C15"). In summary, the available evidence is currently insufficient to determine the role of this variant in disease. Therefore, it has been classified as a Variant of Uncertain Significance.

NM_004525.3(LRP2):c.6037C>T (p.Arg2013Cys)

Gene: LRP2 (LDL receptor related protein 2; minus strand). Cytogenetic location: 2q31.1.
Variant type: single nucleotide variant.
Coding change: c.6037C>T on transcript NM_004525.3 (MANE Select); coding-DNA position 6037, C replaced by T.
Protein change: p.Arg2013Cys; replaces arginine 2013 with cysteine.
Molecular consequence: missense variant.
Genome position (GRCh38, 1-based): chr2:169,213,660, G>A on the plus strand (C>T on the coding strand, the complement: LRP2 is on the minus strand). VCF-style: chr2-169213660-G-A. GRCh37 (hg19) VCF-style: chr2-170070170-G-A.
Other names: short protein forms R2013C.
Identifiers: ClinVar variation 1468181 (VCV001468181.3), dbSNP rs747459560, ClinGen allele CA1954392.
Genomic context (GRCh38, chr2:169,213,660, plus strand): 5'-GTTATGTGTGAATATGCATTATACACCCATGAATGTATTTCAGTGACAAATACTTACTGC[G>A]TCTGTGATAAACTTGAAGACCCCTCAGATTTGGAACATTATCTCTCAAGACTATTTTGTT-3'
Protein context (NP_004516.2, residues 2003-2023): NLRGLQVYHR[Arg2013Cys]NAAESSNGCS